The following is an entry in ClinVar:

NM_000093.5(COL5A1):c.5068-128C>A

Genes: COL5A1 (collagen type V alpha 1 chain; plus strand), LOC101448202 (uncharacterized LOC101448202; minus strand). Cytogenetic location: 9q34.3.
Variant type: single nucleotide variant.
Coding change: c.5068-128C>A on transcript NM_000093.5 (MANE Select); 128 bases into the intron before coding-DNA position 5068, C replaced by A.
Molecular consequence: intron variant.
Genome position (GRCh38, 1-based): chr9:134,829,848, C>A. VCF-style: chr9-134829848-C-A. GRCh37 (hg19) VCF-style: chr9-137721694-C-A.
Other names: c.5068-260C>A (NM_001278074.1).
Identifiers: ClinVar variation 675614 (VCV000675614.1), dbSNP rs113810157, ClinGen allele CA201104446.

ClinVar aggregate classification (germline): Likely benign (1 of 4 stars; one submission).

Allele frequency attached by ClinVar (database versions not stated): gnomAD exomes 0.00122; 1000 Genomes Project 0.01118; gnomAD 0.01284 and 0.01372; TOPMed 0.01292; 1000 Genomes Project 30x 0.01374.
gnomAD v4.1: 2,938 of 1,051,692 alleles (0.28%); highest among the groups gnomAD compares: African/African-American, 4%; 50 homozygotes.

Submission:

GeneDx
Classification: Likely benign. Last evaluated: 2018-06-14. Review status: criteria provided, single submitter. Criteria: GeneDx Variant Classification (06012015). Collection method: clinical testing. Allele origin: germline. Affected: yes.
Comment: This variant is considered likely benign or benign based on one or more of the following criteria: it is a conservative change, it occurs at a poorly conserved position in the protein, it is predicted to be benign by multiple in silico algorithms, and/or has population frequency not consistent with disease.